The following is an entry in ClinVar:

NM_000051.4(ATM):c.7867C>G (p.Leu2623Val)

Genes: ATM (ATM serine/threonine kinase; plus strand), C11orf65 (chromosome 11 open reading frame 65; minus strand). Cytogenetic location: 11q22.3.
Variant type: single nucleotide variant.
Coding change: c.7867C>G on transcript NM_000051.4 (MANE Select); coding-DNA position 7867, C replaced by G.
Protein change: p.Leu2623Val; replaces leucine 2623 with valine.
Molecular consequence: missense variant. On other transcripts: intron variant (2).
Genome position (GRCh38, 1-based): chr11:108,332,840, C>G. VCF-style: chr11-108332840-C-G. GRCh37 (hg19) VCF-style: chr11-108203567-C-G.
Other names: c.7867C>G, p.Leu2623Val (NM_001351834.2); c.641-23769G>C (NM_001330368.2); c.*38+2380G>C (NM_001351110.2); short protein forms L2623V.
Identifiers: ClinVar variation 639244 (VCV000639244.14), dbSNP rs774118570, ClinGen allele CA6266204.

ClinVar aggregate classification (germline): Uncertain significance. Review status: criteria provided, multiple submitters, no conflicts (2 of 4 stars). 2 submissions from 2 submitters: Uncertain significance (2). Last evaluated 2024-05-02.

Conditions:
Ataxia-telangiectasia syndrome (AT). Also called: Ataxia-telangiectasia, complementation group D; AT, COMPLEMENTATION GROUP C; ATAXIA-TELANGIECTASIA, COMPLEMENTATION GROUP A; ATAXIA-TELANGIECTASIA, FRESNO VARIANT; Ataxia-telangiectasia; LOUIS-BAR SYNDROME. Identifiers: Orphanet 100, MedGen C0004135, MONDO:0008840, OMIM 208900.
Hereditary cancer-predisposing syndrome. Also called: Tumor predisposition; Hereditary neoplastic syndrome; Neoplastic Syndromes, Hereditary; Hereditary Cancer Syndrome. Identifiers: Orphanet 140162, MedGen C0027672, MeSH D009386, MONDO:0015356.

Allele frequency attached by ClinVar (database versions not stated): ExAC 0.00001.

Submissions (2):

Ambry Genetics
Classification: Uncertain significance for Hereditary cancer-predisposing syndrome. Last evaluated: 2024-05-02. Review status: criteria provided, single submitter. Criteria: Ambry Variant Classification Scheme 2023. Collection method: clinical testing. Allele origin: germline.
Comment: The p.L2623V variant (also known as c.7867C>G), located in coding exon 52 of the ATM gene, results from a C to G substitution at nucleotide position 7867. The leucine at codon 2623 is replaced by valine, an amino acid with highly similar properties. This amino acid position is highly conserved in available vertebrate species. In addition, the in silico prediction for this alteration is inconclusive. Since supporting evidence is limited at this time, the clinical significance of this alteration remains unclear.

Labcorp Genetics (formerly Invitae), Labcorp
Classification: Uncertain significance for Ataxia-telangiectasia syndrome. Last evaluated: 2020-12-29. Review status: criteria provided, single submitter. Criteria: Invitae Variant Classification Sherloc (09022015). Collection method: clinical testing. Allele origin: germline.
Comment: In summary, the available evidence is currently insufficient to determine the role of this variant in disease. Therefore, it has been classified as a Variant of Uncertain Significance. Algorithms developed to predict the effect of missense changes on protein structure and function (SIFT, PolyPhen-2, Align-GVGD) all suggest that this variant is likely to be disruptive, but these predictions have not been confirmed by published functional studies and their clinical significance is uncertain. This variant has not been reported in the literature in individuals with ATM-related disease. This variant is present in population databases (rs774118570, ExAC 0.002%). This sequence change replaces leucine with valine at codon 2623 of the ATM protein (p.Leu2623Val). The leucine residue is highly conserved and there is a small physicochemical difference between leucine and valine.